The following is an entry in ClinVar:

NM_001540.5(HSPB1):c.449C>A (p.Pro150His)

Gene: HSPB1 (heat shock protein family B (small) member 1; plus strand). Cytogenetic location: 7q11.23.
Variant type: single nucleotide variant.
Coding change: c.449C>A on transcript NM_001540.5 (MANE Select); coding-DNA position 449, C replaced by A.
Protein change: p.Pro150His; replaces proline 150 with histidine.
Molecular consequence: missense variant.
Genome position (GRCh38, 1-based): chr7:76,304,004, C>A. VCF-style: chr7-76304004-C-A. GRCh37 (hg19) VCF-style: chr7-75933321-C-A.
Other names: c.449C>A (LRG_248t1); short protein forms P150H.
Identifiers: ClinVar variation 245778 (VCV000245778.2), dbSNP rs879253943, ClinGen allele CA10584284.

ClinVar aggregate classification (germline): Uncertain significance (1 of 4 stars; one submission).

Submission:

GeneDx
Classification: Uncertain significance. Last evaluated: 2015-05-18. Review status: criteria provided, single submitter. Criteria: GeneDx Variant Classification (06012015). Collection method: clinical testing. Allele origin: germline. Affected: yes.
Comment: The P150H variant has not been published as a pathogenic variant, nor has it been reported as a benign polymorphism to our knowledge. It was not observed in approximately 6,500 individuals of European and African American ancestry in the NHLBI Exome Sequencing Project, indicating it is not a common benign variant in these populations. The P150H variant is a non-conservative amino acid substitution, which is likely to impact secondary protein structure as these residues differ in polarity, charge, size and/or other properties. This substitution occurs at a position that is conserved in mammals, and in silico analysis predicts this variant is probably damaging to the protein structure/function. Missense variants in nearby residues (R140G; K141Q; T151I) have been reported in the Human Gene Mutation Database in association with Charcot-Marie-Tooth disease and distal motor neuropathy (Stenson et al., 2014), supporting the functional importance of this region of the protein. Based on the currently available information, it is unclear whether the P150H variant is a pathogenic or a rare benign variant.